The following is an entry in ClinVar:

NM_058216.3(RAD51C):c.565G>T (p.Gly189Ter)

Gene: RAD51C (RAD51 paralog C; plus strand). Cytogenetic location: 17q22.
Variant type: single nucleotide variant.
Coding change: c.565G>T on transcript NM_058216.3 (MANE Select); coding-DNA position 565, G replaced by T.
Protein change: p.Gly189Ter; replaces glycine 189 with a stop codon.
Molecular consequence: nonsense.
Genome position (GRCh38, 1-based): chr17:58,696,853, G>T. VCF-style: chr17-58696853-G-T. GRCh37 (hg19) VCF-style: chr17-56774214-G-T.
Other names: short protein forms G189*.
Identifiers: ClinVar variation 937906 (VCV000937906.10), dbSNP rs1330937621, ClinGen allele CA400345495.

ClinVar aggregate classification (germline): Pathogenic. Review status: criteria provided, multiple submitters, no conflicts (2 of 4 stars). 2 submissions from 2 submitters: Pathogenic (2). Last evaluated 2019-08-16.

Conditions:
Hereditary cancer-predisposing syndrome. Also called: Tumor predisposition; Hereditary neoplastic syndrome; Neoplastic Syndromes, Hereditary; Hereditary Cancer Syndrome. Identifiers: Orphanet 140162, MedGen C0027672, MeSH D009386, MONDO:0015356.
Fanconi anemia complementation group O. Also called: RAD51C-Related Fanconi Anemia. Identifiers: Orphanet 84, MedGen C3150653, MONDO:0013248, OMIM 613390.

Submissions (2):

Labcorp Genetics (formerly Invitae), Labcorp
Classification: Pathogenic for Fanconi anemia complementation group O. Last evaluated: 2019-08-16. Review status: criteria provided, single submitter. Criteria: Invitae Variant Classification Sherloc (09022015). Collection method: clinical testing. Allele origin: germline.
Comment: This variant has not been reported in the literature in individuals with RAD51C-related conditions. For these reasons, this variant has been classified as Pathogenic. Loss-of-function variants in RAD51C are known to be pathogenic (PMID: 20400964, 21990120, 24800917). Algorithms developed to predict the effect of sequence changes on RNA splicing suggest that this variant may create or strengthen a splice site, but this prediction has not been confirmed by published transcriptional studies. This variant is not present in population databases (ExAC no frequency). This sequence change creates a premature translational stop signal (p.Gly189*) in the RAD51C gene. It is expected to result in an absent or disrupted protein product.

Ambry Genetics
Classification: Pathogenic for Hereditary cancer-predisposing syndrome. Last evaluated: 2018-08-03. Review status: criteria provided, single submitter. Criteria: Ambry Variant Classification Scheme 2023. Collection method: clinical testing. Allele origin: germline.
Comment: The p.G189* pathogenic mutation (also known as c.565G>T), located in coding exon 3 of the RAD51C gene, results from a G to T substitution at nucleotide position 565. This changes the amino acid from a glycine to a stop codon within coding exon 3. This alteration is expected to result in loss of function by premature protein truncation or nonsense-mediated mRNA decay. As such, this alteration is interpreted as a disease-causing mutation.

Literature cited by the submitters: PubMed 20400964 (cited by Labcorp Genetics (formerly Invitae), Labcorp); PubMed 21990120 (cited by Labcorp Genetics (formerly Invitae), Labcorp); PubMed 24800917 (cited by Labcorp Genetics (formerly Invitae), Labcorp).